The following is an entry in ClinVar:

NM_000302.4(PLOD1):c.30G>C (p.Leu10=)

Gene: PLOD1 (procollagen-lysine,2-oxoglutarate 5-dioxygenase 1; plus strand). Cytogenetic location: 1p36.22.
Variant type: single nucleotide variant.
Coding change: c.30G>C on transcript NM_000302.4 (MANE Select); coding-DNA position 30, G replaced by C.
Protein change: p.Leu10=; no amino-acid change (leucine 10 retained).
Molecular consequence: synonymous variant.
Genome position (GRCh38, 1-based): chr1:11,934,809, G>C. VCF-style: chr1-11934809-G-C. GRCh37 (hg19) VCF-style: chr1-11994866-G-C.
Other names: c.30G>C, p.Leu10= (NM_001316320.2).
Identifiers: ClinVar variation 264292 (VCV000264292.15), dbSNP rs886039113, ClinGen allele CA10587411.
Genomic context (GRCh38, chr1:11,934,809, plus strand): 5'-GGGTCGGCCGATCGTCCCCCATACCTCGGCCATGCGGCCCCTGCTGCTACTGGCCCTGCT[G>C]GGCTGGCTGCTGCTGGCCGAAGCGAAGGGCGACGCCAAGCCGGAGGGTGAGGGAGCGAAG-3'
Protein context (NP_000293.2, residues 1-20): MRPLLLLAL[Leu10=]GWLLLAEAKG

ClinVar aggregate classification (germline): Likely benign. Review status: criteria provided, multiple submitters, no conflicts (2 of 4 stars). 4 submissions from 4 submitters: Likely benign (4). Last evaluated 2026-01-27.

Conditions:
PLOD1-related disorder. Also called: PLOD1-related condition.
Familial thoracic aortic aneurysm and aortic dissection (TAAD). Also called: Thoracic aortic aneurysms and dissections. Identifiers: Orphanet 91387, MedGen C4707243, MONDO:0019625.
Ehlers-Danlos syndrome, kyphoscoliotic type 1 (EDSKSCL1). Also called: Ehlers-Danlos syndrome, hydroxylysine-deficient; EHLERS-DANLOS SYNDROME, TYPE VIA; EHLERS-DANLOS SYNDROME, OCULAR-SCOLIOTIC TYPE; PLOD1-Related Kyphoscoliotic Ehlers-Danlos Syndrome. Identifiers: Orphanet 1900, MedGen C0268342, MONDO:0016002, OMIM 225400. Disease mechanism: loss of function.

Allele frequency attached by ClinVar (database versions not stated): gnomAD 0.00004; 1000 Genomes Project 30x 0.00016.
gnomAD v4.1: 17 of 1,541,028 alleles (0.0011%); highest among the groups gnomAD compares: African/African-American, 0.019%; no homozygotes.

Submissions (4):

Labcorp Genetics (formerly Invitae), Labcorp
Classification: Likely benign for Ehlers-Danlos syndrome, kyphoscoliotic type 1. Last evaluated: 2026-01-27. Review status: criteria provided, single submitter. Criteria: Invitae Variant Classification Sherloc (09022015). Collection method: clinical testing. Allele origin: germline.

PreventionGenetics, part of Exact Sciences
Classification: Likely benign for PLOD1-related condition. Last evaluated: 2025-03-17. Review status: criteria provided, single submitter. Criteria: ACMG Guidelines, 2015. Collection method: clinical testing. Allele origin: germline.
Comment: This variant is classified as likely benign based on ACMG/AMP sequence variant interpretation guidelines (Richards et al. 2015 PMID: 25741868, with internal and published modifications).

Women's Health and Genetics/Laboratory Corporation of America, LabCorp
Classification: Likely benign. Last evaluated: 2024-10-06. Review status: criteria provided, single submitter. Criteria: LabCorp Variant Classification Summary - May 2015. Collection method: clinical testing. Allele origin: germline.

Ambry Genetics
Classification: Likely benign for Familial thoracic aortic aneurysm and aortic dissection. Last evaluated: 2015-09-09. Review status: criteria provided, single submitter. Criteria: Ambry Variant Classification Scheme 2023. Collection method: clinical testing. Allele origin: germline.